The following is an entry in ClinVar:

NM_007078.3(LDB3):c.211T>G (p.Ser71Ala)

Gene: LDB3 (LIM domain binding 3; plus strand). Cytogenetic location: 10q23.2.
Variant type: single nucleotide variant.
Coding change: c.211T>G on transcript NM_007078.3 (MANE Select); coding-DNA position 211, T replaced by G.
Protein change: p.Ser71Ala; replaces serine 71 with alanine.
Molecular consequence: missense variant.
Genome position (GRCh38, 1-based): chr10:86,679,484, T>G. VCF-style: chr10-86679484-T-G. GRCh37 (hg19) VCF-style: chr10-88439241-T-G.
Other names: c.211T>G, p.Ser71Ala (NM_001080114.2, NM_001080115.2, NM_001080116.1 and 8 more transcripts); short protein forms S71A.
Identifiers: ClinVar variation 2123186 (VCV002123186.4), dbSNP rs2492565035, ClinGen allele CA377451477.

ClinVar aggregate classification (germline): Uncertain significance (1 of 4 stars; one submission).

Conditions:
Myofibrillar myopathy 4. Also called: Zaspopathy (type). Identifiers: Orphanet 98912, MedGen C4721886, MONDO:0012277, OMIM 609452.

Submission:

Labcorp Genetics (formerly Invitae), Labcorp
Classification: Uncertain significance for Myofibrillar myopathy 4. Last evaluated: 2022-04-14. Review status: criteria provided, single submitter. Criteria: Invitae Variant Classification Sherloc (09022015). Collection method: clinical testing. Allele origin: germline.
Comment: In summary, the available evidence is currently insufficient to determine the role of this variant in disease. Therefore, it has been classified as a Variant of Uncertain Significance. Algorithms developed to predict the effect of missense changes on protein structure and function (SIFT, PolyPhen-2, Align-GVGD) all suggest that this variant is likely to be tolerated. This variant has not been reported in the literature in individuals affected with LDB3-related conditions. This variant is not present in population databases (gnomAD no frequency). This sequence change replaces serine, which is neutral and polar, with alanine, which is neutral and non-polar, at codon 71 of the LDB3 protein (p.Ser71Ala).